The following is an entry in ClinVar:

ClinVar aggregate classification (germline): Uncertain significance (1 of 4 stars; one submission).

Submission:

GeneDx
Classification: Uncertain significance. Last evaluated: 2025-05-28. Review status: criteria provided, single submitter. Criteria: GeneDx Variant Classification Process June 2021. Collection method: clinical testing. Allele origin: germline. Affected: yes.
Comment: Not observed at significant frequency in large population cohorts (gnomAD); In silico analysis supports that this missense variant has a deleterious effect on protein structure/function; Has not been previously published as pathogenic or benign to our knowledge

NM_182699.4(DDX53):c.1570A>G (p.Thr524Ala)

Genes: DDX53 (DEAD-box helicase 53; plus strand), PTCHD1-AS (PTCHD1 and PHEX antisense RNA; minus strand). Cytogenetic location: Xp22.11.
Variant type: single nucleotide variant.
Coding change: c.1570A>G on transcript NM_182699.4 (MANE Select); coding-DNA position 1570, A replaced by G.
Protein change: p.Thr524Ala; replaces threonine 524 with alanine.
Molecular consequence: missense variant.
Genome position (GRCh38, 1-based): chrX:23,001,627, A>G. VCF-style: chrX-23001627-A-G. GRCh37 (hg19) VCF-style: chrX-23019744-A-G.
Other names: short protein forms T524A.
Identifiers: ClinVar variation 4532435 (VCV004532435.1).